The following is an entry in ClinVar:

ClinVar aggregate classification (germline): Benign. Review status: criteria provided, multiple submitters, no conflicts (2 of 4 stars). 3 submissions from 3 submitters: Benign (3). Last evaluated 2020-07-15.

Conditions:
Aneurysm-osteoarthritis syndrome. Also called: SMAD3-Related Loeys-Dietz Syndrome; Loeys-Dietz syndrome, type 1C; ANEURYSMS-OSTEOARTHRITIS SYNDROME; LOEYS-DIETZ SYNDROME WITH OSTEOARTHRITIS. Identifiers: Orphanet 284984, MedGen C3151087, MONDO:0013426, OMIM 613795.

Allele frequency attached by ClinVar (database versions not stated): gnomAD 0.19274 and 0.20105; TOPMed 0.20704; 1000 Genomes Project 30x 0.24625; 1000 Genomes Project 0.25180; gnomAD exomes 0.27002.
gnomAD v4.1: 52,290 of 233,046 alleles (22%); highest among the groups gnomAD compares: East Asian, 47%; 7,183 homozygotes.

Submissions (3):

GeneDx
Classification: Benign. Last evaluated: 2020-07-15. Review status: criteria provided, single submitter. Criteria: GeneDx Variant Classification Process June 2021. Collection method: clinical testing. Allele origin: germline. Affected: yes.
Comment: This variant is associated with the following publications: (PMID: 24583347)

Illumina Laboratory Services, Illumina
Classification: Benign for Aneurysm-osteoarthritis syndrome. Last evaluated: 2018-01-13. Review status: criteria provided, single submitter. Criteria: ICSL Variant Classification Criteria 13 December 2019. Collection method: clinical testing. Allele origin: germline.
Comment: This variant was observed in the ICSL laboratory as part of a predisposition screen in an ostensibly healthy population. It had not been previously curated by ICSL or reported in the Human Gene Mutation Database (HGMD: prior to June 1st, 2018), and was therefore a candidate for classification through an automated scoring system. Utilizing variant allele frequency, disease prevalence and penetrance estimates, and inheritance mode, an automated score was calculated to assess if this variant is too frequent to cause the disease. Based on the score and internal cut-off values, a variant classified as benign is not then subjected to further curation. The score for this variant resulted in a classification of benign for this disease.

Breakthrough Genomics
Classification: Benign. Review status: criteria provided, single submitter. Criteria: ACMG Guidelines, 2015. Collection method: not provided. Allele origin: germline. Inheritance: Autosomal dominant inheritance. Affected: yes.

NM_005902.4(SMAD3):c.*2282C>T

Gene: SMAD3 (SMAD family member 3; plus strand). Cytogenetic location: 15q22.33.
Variant type: single nucleotide variant.
Coding change: c.*2282C>T on transcript NM_005902.4 (MANE Select); 2282 bases downstream of the stop codon, C replaced by T.
Molecular consequence: 3 prime UTR variant.
Genome position (GRCh38, 1-based): chr15:67,192,818, C>T. VCF-style: chr15-67192818-C-T. GRCh37 (hg19) VCF-style: chr15-67485156-C-T.
Other names: c.*2282C>T (NM_001145102.2, NM_001145103.2, NM_001145104.2).
Identifiers: ClinVar variation 316934 (VCV000316934.9), dbSNP rs12595334, ClinGen allele CA10646522.